The following is an entry in ClinVar:

ClinVar aggregate classification (germline): Conflicting classifications of pathogenicity. Review status: criteria provided, conflicting classifications (1 of 4 stars). 3 submissions from 3 submitters: Uncertain significance (2); Likely benign (1). Last evaluated 2024-06-15.

Conditions:
Branchiootorenal syndrome 2 (BOR2). Identifiers: Orphanet 107, MedGen C1970479, MONDO:0012575, OMIM 610896.

Allele frequency attached by ClinVar (database versions not stated): gnomAD 0.00002; TOPMed 0.00002.

Submissions (3):

Fulgent Genetics
Classification: Likely benign for Branchiootorenal syndrome 2. Last evaluated: 2024-06-15. Review status: criteria provided, single submitter. Criteria: ACMG Guidelines, 2015. Collection method: clinical testing. Allele origin: germline.

Labcorp Genetics (formerly Invitae), Labcorp
Classification: Uncertain significance. Last evaluated: 2024-03-21. Review status: criteria provided, single submitter. Criteria: Invitae Variant Classification Sherloc (09022015). Collection method: clinical testing. Allele origin: germline.
Comment: This sequence change replaces proline, which is neutral and non-polar, with serine, which is neutral and polar, at codon 441 of the SIX5 protein (p.Pro441Ser). The frequency data for this variant in the population databases is considered unreliable, as metrics indicate poor data quality at this position in the gnomAD database. This variant has not been reported in the literature in individuals affected with SIX5-related conditions. ClinVar contains an entry for this variant (Variation ID: 2472918). Advanced modeling of protein sequence and biophysical properties (such as structural, functional, and spatial information, amino acid conservation, physicochemical variation, residue mobility, and thermodynamic stability) performed at Invitae indicates that this missense variant is not expected to disrupt SIX5 protein function with a negative predictive value of 80%. In summary, the available evidence is currently insufficient to determine the role of this variant in disease. Therefore, it has been classified as a Variant of Uncertain Significance.

Ambry Genetics
Classification: Uncertain significance. Last evaluated: 2023-03-02. Review status: criteria provided, single submitter. Criteria: Ambry Variant Classification Scheme 2023. Collection method: clinical testing. Allele origin: germline.

NM_175875.5(SIX5):c.1321C>T (p.Pro441Ser)

Gene: SIX5 (SIX homeobox 5; minus strand). Cytogenetic location: 19q13.32.
Variant type: single nucleotide variant.
Coding change: c.1321C>T on transcript NM_175875.5 (MANE Select); coding-DNA position 1321, C replaced by T.
Protein change: p.Pro441Ser; replaces proline 441 with serine.
Molecular consequence: missense variant.
Genome position (GRCh38, 1-based): chr19:45,766,638, G>A on the plus strand (C>T on the coding strand, the complement: SIX5 is on the minus strand). VCF-style: chr19-45766638-G-A. GRCh37 (hg19) VCF-style: chr19-46269896-G-A.
Other names: short protein forms P441S.
Identifiers: ClinVar variation 2472918 (VCV002472918.5), dbSNP rs930795278, ClinGen allele CA309000902.